The following is an entry in ClinVar:

NM_003954.5(MAP3K14):c.2679+5G>A

Genes: MAP3K14 (mitogen-activated protein kinase kinase kinase 14; minus strand), MAP3K14-AS1 (MAP3K14 antisense RNA 1; plus strand). Cytogenetic location: 17q21.31.
Variant type: single nucleotide variant.
Coding change: c.2679+5G>A on transcript NM_003954.5 (MANE Select); 5 bases into the intron after coding-DNA position 2679, G replaced by A.
Molecular consequence: intron variant.
Genome position (GRCh38, 1-based): chr17:45,265,158, C>T on the plus strand (G>A on the coding strand, the complement: MAP3K14 is on the minus strand). VCF-style: chr17-45265158-C-T. GRCh37 (hg19) VCF-style: chr17-43342525-C-T.
Other names: c.2679+5G>A (LRG_1222t1).
Identifiers: ClinVar variation 640273 (VCV000640273.6), dbSNP rs780306004, ClinGen allele CA8613811.

ClinVar aggregate classification (germline): Uncertain significance (1 of 4 stars; one submission).

Conditions:
NIK deficiency. Also called: Primary immunodeficiency with multifaceted aberrant lymphoid immunity. Identifiers: Orphanet 447731, MedGen C5680065, MONDO:0018642.

Allele frequency attached by ClinVar (database versions not stated): TOPMed below 0.00001; gnomAD exomes 0.00001; ExAC 0.00002.

Submission:

Labcorp Genetics (formerly Invitae), Labcorp
Classification: Uncertain significance for NIK deficiency. Last evaluated: 2018-12-04. Review status: criteria provided, single submitter. Criteria: Invitae Variant Classification Sherloc (09022015). Collection method: clinical testing. Allele origin: germline.
Comment: In summary, the available evidence is currently insufficient to determine the role of this variant in disease. Therefore, it has been classified as a Variant of Uncertain Significance. Nucleotide substitutions within the consensus splice site are a relatively common cause of aberrant splicing (PMID: 17576681, 9536098). Algorithms developed to predict the effect of sequence changes on RNA splicing suggest that this variant is not likely to affect RNA splicing, but this prediction has not been confirmed by published transcriptional studies. This variant has not been reported in the literature in individuals with MAP3K14-related conditions. This variant is present in population databases (rs780306004, ExAC 0.003%). This sequence change falls in intron 15 of the MAP3K14 gene. It does not directly change the encoded amino acid sequence of the MAP3K14 protein, but it affects a nucleotide within the consensus splice site of the intron.

Literature cited by the submitters: PubMed 17576681; PubMed 9536098.